The following is an entry in ClinVar:

NM_004836.7(EIF2AK3):c.1306+1G>C

Gene: EIF2AK3 (eukaryotic translation initiation factor 2 alpha kinase 3; minus strand). Cytogenetic location: 2p11.2.
Variant type: single nucleotide variant.
Coding change: c.1306+1G>C on transcript NM_004836.7 (MANE Select); the canonical splice donor site of the intron after coding-DNA position 1306, G replaced by C.
Molecular consequence: splice donor variant.
Genome position (GRCh38, 1-based): chr2:88,588,760, C>G on the plus strand (G>C on the coding strand, the complement: EIF2AK3 is on the minus strand). VCF-style: chr2-88588760-C-G. GRCh37 (hg19) VCF-style: chr2-88888278-C-G.
Other names: c.853+1G>C (NM_001313915.2).
Identifiers: ClinVar variation 2675022 (VCV002675022.6), dbSNP rs750939022, ClinGen allele CA1754730.
Genomic context (GRCh38, chr2:88,588,760, plus strand): 5'-GACAGTCAGGATTAGGTCTCTGAACACTAACAGTATTTAGAAAAGTTTACAATTCACTTA[C>G]GAATTAAGGGTTTCCATTTGATTGTTGGTAAAGGAATAATTGCGTTTTCATTAGTGACAG-3'

ClinVar aggregate classification (germline): Likely pathogenic. Review status: criteria provided, multiple submitters, no conflicts (2 of 4 stars). 3 submissions from 3 submitters: Likely pathogenic (3). Last evaluated 2026-01-08.

Conditions:
Wolcott-Rallison dysplasia. Also called: MED-IDDM SYNDROME; Wolcott-Rallison syndrome. Identifiers: Orphanet 1667, MedGen C0432217, MONDO:0009192, OMIM 226980.

Allele frequency attached by ClinVar (database versions not stated): TOPMed 0.00001; ExAC 0.00001.
gnomAD v4.1: 1 of 1,613,382 alleles (0.000062%); highest among the groups gnomAD compares: African/African-American, 0.0013%; no homozygotes.

Submissions (3):

Dasa
Classification: Likely pathogenic. Last evaluated: 2026-01-08. Review status: criteria provided, single submitter. Criteria: DASA Assertion Criteria. Collection method: clinical testing. Allele origin: germline.
Comment: NM_004836.7(EIF2AK3):c.1306+1G>C affects a canonical splice site and is predicted to disrupt normal RNA splicing. Loss of function is an established disease mechanism for EIF2AK3-associated disorders. Also, this variant is rare in population databases. Based on the currently available evidence, this variant is classified as likely pathogenic.

Labcorp Genetics (formerly Invitae), Labcorp
Classification: Likely pathogenic. Last evaluated: 2023-10-29. Review status: criteria provided, single submitter. Criteria: Invitae Variant Classification Sherloc (09022015). Collection method: clinical testing. Allele origin: germline.
Comment: This sequence change affects a donor splice site in intron 7 of the EIF2AK3 gene. It is expected to disrupt RNA splicing. Variants that disrupt the donor or acceptor splice site typically lead to a loss of protein function (PMID: 16199547), and loss-of-function variants in EIF2AK3 are known to be pathogenic (PMID: 11997520). This variant is present in population databases (rs750939022, gnomAD 0.007%). This variant has not been reported in the literature in individuals affected with EIF2AK3-related conditions. Algorithms developed to predict the effect of sequence changes on RNA splicing suggest that this variant may disrupt the consensus splice site. In summary, the currently available evidence indicates that the variant is pathogenic, but additional data are needed to prove that conclusively. Therefore, this variant has been classified as Likely Pathogenic.

Baylor Genetics
Classification: Likely pathogenic for Wolcott-Rallison dysplasia. Last evaluated: 2022-06-15. Review status: criteria provided, single submitter. Criteria: ACMG Guidelines, 2015. Collection method: clinical testing. Allele origin: unknown.

Literature cited by the submitters: PubMed 16199547 (cited by Labcorp Genetics (formerly Invitae), Labcorp); PubMed 11997520 (cited by Labcorp Genetics (formerly Invitae), Labcorp).